The following is an entry in ClinVar:

ClinVar aggregate classification (germline): Uncertain significance. Review status: criteria provided, multiple submitters, no conflicts (2 of 4 stars). 4 submissions from 4 submitters: Uncertain significance (4). Last evaluated 2023-11-10.

Conditions:
Leber congenital amaurosis (LCA). Also called: Leber's amaurosis. Identifiers: Orphanet 65, MedGen C0339527, MeSH D057130, MONDO:0018998.

Allele frequency attached by ClinVar (database versions not stated): ExAC 0.00012; ESP Exome Variant Server 0.00015; TOPMed 0.00020; gnomAD 0.00021 and 0.00023.
gnomAD v4.1: 682 of 1,613,988 alleles (0.042%); highest among the groups gnomAD compares: Non-Finnish European, 0.054%; 1 homozygote.

Submissions (4):

Blueprint Genetics
Classification: Uncertain significance. Last evaluated: 2023-11-10. Review status: criteria provided, single submitter. Criteria: ACMG Guidelines, 2015. Collection method: clinical testing. Allele origin: germline.

GeneDx
Classification: Uncertain significance. Last evaluated: 2023-02-24. Review status: criteria provided, single submitter. Criteria: GeneDx Variant Classification Process June 2021. Collection method: clinical testing. Allele origin: germline. Affected: yes.
Comment: In silico analysis supports that this missense variant has a deleterious effect on protein structure/function; Has not been previously published as pathogenic or benign to our knowledge

Labcorp Genetics (formerly Invitae), Labcorp
Classification: Uncertain significance. Last evaluated: 2022-10-24. Review status: criteria provided, single submitter. Criteria: Invitae Variant Classification Sherloc (09022015). Collection method: clinical testing. Allele origin: germline.
Comment: This sequence change replaces arginine, which is basic and polar, with tryptophan, which is neutral and slightly polar, at codon 1155 of the ADAMTS18 protein (p.Arg1155Trp). This variant is present in population databases (rs143681049, gnomAD 0.02%). This variant has not been reported in the literature in individuals affected with ADAMTS18-related conditions. ClinVar contains an entry for this variant (Variation ID: 559528). Algorithms developed to predict the effect of missense changes on protein structure and function are either unavailable or do not agree on the potential impact of this missense change (SIFT: "Not Available"; PolyPhen-2: "Probably Damaging"; Align-GVGD: "Not Available"). In summary, the available evidence is currently insufficient to determine the role of this variant in disease. Therefore, it has been classified as a Variant of Uncertain Significance.

Cytogenetics and Genomics Laboratory, Medical University of South Carolina
Classification: Uncertain significance for Leber congenital amaurosis. Last evaluated: 2018-06-01. Review status: criteria provided, single submitter. Criteria: ACMG Guidelines, 2015. Collection method: research. Allele origin: unknown. Affected: yes. Observed: 1 variant allele.

NM_199355.4(ADAMTS18):c.3463C>T (p.Arg1155Trp)

Genes: ADAMTS18 (ADAM metallopeptidase with thrombospondin type 1 motif 18; minus strand), LOC126862407 (CDK7 strongly-dependent group 2 enhancer GRCh37_chr16:77322970-77324169; plus strand). Cytogenetic location: 16q23.1.
Variant type: single nucleotide variant.
Coding change: c.3463C>T on transcript NM_199355.4 (MANE Select); coding-DNA position 3463, C replaced by T.
Protein change: p.Arg1155Trp; replaces arginine 1155 with tryptophan.
Molecular consequence: missense variant.
Genome position (GRCh38, 1-based): chr16:77,289,351, G>A on the plus strand (C>T on the coding strand, the complement: ADAMTS18 is on the minus strand). VCF-style: chr16-77289351-G-A. GRCh37 (hg19) VCF-style: chr16-77323248-G-A.
Other names: c.2947C>T, p.Arg983Trp (NM_001326358.2); c.3463C>T (NM_199355.2); short protein forms R1155W, R983W.
Identifiers: ClinVar variation 559528 (VCV000559528.9), dbSNP rs143681049, ClinGen allele CA8180422.
Genomic context (GRCh38, chr16:77,289,351, plus strand): 5'-TTGTATTACAGGCTCGTAGCACCGGAGGTTTCTGATGGAGCAGACAACTTGAGGAAGGCC[G>A]GCCTTGCTGAACACAGTGGACTGACCGGGTCTGGACCCCTCCCCCACAGGTGACTGTGCA-3'
Protein context (NP_955387.1, residues 1145-1165): TRSVHCVQQG[Arg1155Trp]PSSSCLLHQK